The following is an entry in ClinVar:

NC_000003.11:g.(?_79638954)_(79639061_?)dup

Gene: ROBO1 (roundabout guidance receptor 1; minus strand). Cytogenetic location: 3p12.3.
Variant type: Duplication.
Identifiers: ClinVar variation 1497550 (VCV001497550.4).

ClinVar aggregate classification (germline): Uncertain significance (1 of 4 stars; one submission).

Submission:

Labcorp Genetics (formerly Invitae), Labcorp
Classification: Uncertain significance. Last evaluated: 2021-04-13. Review status: criteria provided, single submitter. Criteria: Invitae Variant Classification Sherloc (09022015). Collection method: clinical testing. Allele origin: germline.
Comment: In summary, the available evidence is currently insufficient to determine the role of this variant in disease. Therefore, it has been classified as a Variant of Uncertain Significance. This variant has not been reported in the literature in individuals with ROBO1-related conditions. This variant results in a copy number gain of the genomic region encompassing exon(s) 2 of the ROBO1 gene. This region includes the initiator codon of the gene. The 5' end of this event is unknown as it extends beyond the assayed region for this gene and therefore may encompass additional genes. The 3' boundary is likely confined to intron 2 of the ROBO1 gene. As the precise location of this event is unknown, it may be in tandem or it may be located elsewhere in the genome.